The following is an entry in ClinVar:

ClinVar aggregate classification (germline): Likely benign (1 of 4 stars; one submission).

Allele frequency attached by ClinVar (database versions not stated): gnomAD exomes 0.00006; gnomAD 0.00008; 1000 Genomes Project 30x 0.00016; 1000 Genomes Project 0.00020; ExAC 0.00023.
gnomAD v4.1: 85 of 1,396,094 alleles (0.0061%); highest among the groups gnomAD compares: Admixed American, 0.15%; 21 homozygotes.

Submission:

CeGaT Center for Human Genetics Tuebingen
Classification: Likely benign. Last evaluated: 2022-11-01. Review status: criteria provided, single submitter. Criteria: CeGaT Center For Human Genetics Tuebingen Variant Classification Criteria Version 2. Collection method: clinical testing. Allele origin: germline. Affected: yes. Observed: 1 variant allele.
Comment: LGALS9B: BP4, BS2

NM_001367292.2(LGALS9B):c.583A>T (p.Thr195Ser)

Gene: LGALS9B (galectin 9B; minus strand). Cytogenetic location: 17p11.2.
Variant type: single nucleotide variant.
Coding change: c.583A>T on transcript NM_001367292.2 (MANE Select); coding-DNA position 583, A replaced by T.
Protein change: p.Thr195Ser; replaces threonine 195 with serine.
Molecular consequence: missense variant.
Genome position (GRCh38, 1-based): chr17:20,453,061, T>A on the plus strand (A>T on the coding strand, the complement: LGALS9B is on the minus strand). VCF-style: chr17-20453061-T-A. GRCh37 (hg19) VCF-style: chr17-20356374-T-A.
Other names: c.583A>T, p.Thr195Ser (NM_001042685.3); short protein forms T195S.
Identifiers: ClinVar variation 2647569 (VCV002647569.24), dbSNP rs548715393, ClinGen allele CA8447964.